The following is an entry in ClinVar:

ClinVar aggregate classification (germline): Pathogenic (1 of 4 stars; one submission).

Conditions:
Maple syrup urine disease type 1B (MSUD1B). Also called: MSUD type IB; MSUD type 3 (formerly); MSUD due to deficiency of e1-beta subunit of branched-chain alpha-keto acid dehydrogenase complex. Identifiers: MedGen C2930990, MONDO:0023692, OMIM 620698.

Submission:

Myriad Genetics, Inc.
Classification: Pathogenic for Maple syrup urine disease type 1B. Last evaluated: 2023-08-10. Review status: criteria provided, single submitter. Criteria: Myriad Autosomal Dominant, Autosomal Recessive and X-Linked Classification Criteria (2023). Collection method: clinical testing. Allele origin: unknown.
Comment: NM_183050.2(BCKDHB):c.680_681delCA(S227Lfs*5) is expected to be pathogenic in the context of maple syrup urine disease type Ib. This variant is predicted to lead to an abnormal or absent protein product due to the creation of a premature termination codon in BCKDHB, a gene where loss-of-function variants are known to be pathogenic. Please note: this variant was assessed in the context of healthy population screening.

NM_183050.4(BCKDHB):c.680_681del (p.Ser227fs)

Gene: BCKDHB (branched chain keto acid dehydrogenase E1 subunit beta; plus strand). Cytogenetic location: 6q14.1.
Variant type: Deletion.
Coding change: c.680_681del on transcript NM_183050.4 (MANE Select); coding-DNA positions 680 to 681, 2 bases deleted (CA; older notation c.680_681delCA).
Protein change: p.Ser227fs; shifts the reading frame from serine 227.
Molecular consequence: frameshift variant. On other transcripts: non-coding transcript variant (4).
Genome position (GRCh38, 1-based): chr6:80,171,328-80,171,329, CA deleted. VCF-style (leftmost placement, unchanged base first): chr6-80171327-TCA-T. GRCh37 (hg19) VCF-style: chr6-80881044-TCA-T.
Other names: c.680_681del, p.Ser227fs (NM_000056.5, NM_001424035.1, NM_001424036.1 and 7 more transcripts); c.470_471del, p.Ser157fs (NM_001318975.1, NM_001424043.1); short protein forms S157fs, S227fs.
Identifiers: ClinVar variation 5011317 (VCV005011317.1).